The following is an entry in ClinVar:

NM_000431.4(MVK):c.46_49del (p.Leu16fs)

Gene: MVK (mevalonate kinase; plus strand). Cytogenetic location: 12q24.11.
Variant type: Deletion.
Coding change: c.46_49del on transcript NM_000431.4 (MANE Select); coding-DNA positions 46 to 49, 4 bases deleted (CTTC; older notation c.46_49delCTTC).
Protein change: p.Leu16fs; shifts the reading frame from leucine 16.
Molecular consequence: frameshift variant. On other transcripts: non-coding transcript variant (4), intron variant (1).
Genome position (GRCh38, 1-based): chr12:109,574,868-109,574,871, CTTC deleted; deleting any 4 consecutive bases within chr12:109,574,866-109,574,871 gives the same sequence; the c. name uses the placement nearest the transcript's 3' end. VCF-style (leftmost placement, unchanged base first): chr12-109574865-ATCCT-A. GRCh37 (hg19) VCF-style: chr12-110012670-ATCCT-A.
Other names: c.46_49del, p.Leu16fs (NM_001114185.3, NM_001301182.2, NM_001414511.1 and 3 more transcripts); c.-505+995_-505+998del (NM_001414515.1); short protein forms L16fs.
Identifiers: ClinVar variation 2943228 (VCV002943228.3), dbSNP rs2548616797, ClinGen allele CA2740092592.
Genomic context (GRCh38, chr12:109,574,865, plus strand): 5'-TTAGGATTCCCAGGAGCCATGTTGTCAGAAGTCCTACTGGTGTCTGCTCCGGGGAAAGTC[ATCCT>A]TCATGGAGAACATGCCGTGGTACATGGCAAGGTACAAAGCCGTTAGAGCCTTTAAGGATT-3'

ClinVar aggregate classification (germline): Pathogenic (1 of 4 stars; one submission).

Conditions:
Mevalonic aciduria (MEVA). Identifiers: Orphanet 29, MedGen C1959626, MONDO:0012481, OMIM 610377.
Hyperimmunoglobulin D with periodic fever (HIDS). Also called: HYPERIMMUNOGLOBULINEMIA D AND PERIODIC FEVER SYNDROME; Hyperimmunoglobulinemia D; Hyperimmunoglobulinemia D with periodic fever. Identifiers: Orphanet 343, MedGen C0398691, MONDO:0009849, OMIM 260920.
Porokeratosis 3, disseminated superficial actinic type (POROK3). Also called: POROKERATOSIS, DISSEMINATED SUPERFICIAL ACTINIC, 1; POROKERATOSIS 3, MULTIPLE TYPES; POROKERATOSIS 3, MIBELLI TYPE. Identifiers: MedGen C1867981, MONDO:0008293, OMIM 175900.

Submission:

Labcorp Genetics (formerly Invitae), Labcorp
Classification: Pathogenic for Mevalonic aciduria; Hyperimmunoglobulin D with periodic fever; Porokeratosis 3, disseminated superficial actinic type. Last evaluated: 2023-11-20. Review status: criteria provided, single submitter. Criteria: Invitae Variant Classification Sherloc (09022015). Collection method: clinical testing. Allele origin: germline.
Comment: This sequence change creates a premature translational stop signal (p.Leu16Metfs*11) in the MVK gene. It is expected to result in an absent or disrupted protein product. Loss-of-function variants in MVK are known to be pathogenic (PMID: 16835861, 17105862, 23834120). This variant is not present in population databases (gnomAD no frequency). This variant has not been reported in the literature in individuals affected with MVK-related conditions. For these reasons, this variant has been classified as Pathogenic.

Literature cited by the submitters: PubMed 16835861; PubMed 17105862; PubMed 23834120.